The following is an entry in ClinVar:

NM_001754.5(RUNX1):c.979_983dup (p.Thr328_Ala329insTer)

Gene: RUNX1 (RUNX family transcription factor 1; minus strand). Cytogenetic location: 21q22.12.
Variant type: Duplication.
Coding change: c.979_983dup on transcript NM_001754.5 (MANE Select); coding-DNA positions 979 to 983, 5 bases duplicated (CTGAC; older notation c.979_983dupCTGAC).
Protein change: p.Thr328_Ala329insTer.
Molecular consequence: nonsense, inframe insertion.
Genome position (GRCh38, 1-based): chr21:34,792,595-34,792,599, GTCAG duplicated on the plus strand (CTGAC on the coding strand, the reverse complement: RUNX1 is on the minus strand); duplicating any 5 consecutive bases within chr21:34,792,595-34,792,602 gives the same sequence; the c. name uses the placement nearest the transcript's 3' end. VCF-style (leftmost placement, unchanged base first): chr21-34792594-T-TGTCAG. GRCh37 (hg19) VCF-style: chr21-36164891-T-TGTCAG.
Other names: NM_001754.5(RUNX1):c.979_983dup; p.Thr328_Ala329insTer; c.898_902dup, p.Thr301_Ala302insTer (NM_001001890.3).
Identifiers: ClinVar variation 1996223 (VCV001996223.5), dbSNP rs2516825380, ClinGen allele CA2580098829.

ClinVar aggregate classification (germline): Likely pathogenic. Review status: reviewed by expert panel (3 of 4 stars). 2 submissions from 2 submitters: Likely pathogenic (1). 1 of the submissions does not count toward it. Last evaluated 2023-12-09.

Conditions:
Hereditary thrombocytopenia and hematologic cancer predisposition syndrome. Identifiers: Orphanet 71290, MedGen CN281654, MONDO:0011071.
Hereditary thrombocytopenia and hematological cancer predisposition syndrome associated with RUNX1. Also called: Familial Platelet Disorder with Propensity to Acute Myelogenous Leukemia; Familial thrombocytopenia with propensity to acute myelogenous leukemia; PLATELET DISORDER, ASPIRIN-LIKE; RUNX1 Familial Platelet Disorder with Associated Myeloid Malignancies. Identifiers: Orphanet 71290, MedGen C1832388, MeSH C563324, MONDO:0100083, OMIM 601399.

Submissions (2):

ClinGen Myeloid Malignancy Variant Curation Expert Panel
Classification: Likely pathogenic for Hereditary thrombocytopenia and hematologic cancer predisposition syndrome. Last evaluated: 2023-12-09. Review status: reviewed by expert panel. Criteria: ClinGen MyeloMalig ACMG Specifications v2. Collection method: curation. Allele origin: germline. Inheritance: Autosomal dominant inheritance.
Comment: This frameshift variant is in a region that is critical to protein function, and transcript is not expected to undergo NMD (PVS1_Strong). This variant is completely absent from all population databases with at least 20x coverage for RUNX1 (PM2_supporting). This frameshift variant is downstream c.98 (PM5_supporting). In summary, this variant meets criteria to be classified as likely pathogenic. ACMG/AMP criteria applied, as specified by the Myeloid Malignancy Variant Curation Expert Panel for RUNX1: PVS1_strong, PM2_supporting, PM5_supporting.

Labcorp Genetics (formerly Invitae), Labcorp
Classification: Pathogenic for Hereditary thrombocytopenia and hematological cancer predisposition syndrome associated with RUNX1. Last evaluated: 2025-01-15. Review status: criteria provided, single submitter. Criteria: Invitae Variant Classification Sherloc (09022015). Collection method: clinical testing. Allele origin: germline. Not counted in ClinVar's aggregate classification.
Comment: This sequence change creates a premature translational stop signal (p.Ala329*) in the RUNX1 gene. While this is not anticipated to result in nonsense mediated decay, it is expected to disrupt the last 152 amino acid(s) of the RUNX1 protein. This variant is not present in population databases (gnomAD no frequency). This variant has not been reported in the literature in individuals affected with RUNX1-related conditions. ClinVar contains an entry for this variant (Variation ID: 1996223). This variant disrupts a region of the RUNX1 protein in which other variant(s) (p.Tyr414*) have been determined to be pathogenic (PMID: 14504086, 15749889, 22689681, 23753029, 30600763). This suggests that this is a clinically significant region of the protein, and that variants that disrupt it are likely to be disease-causing. For these reasons, this variant has been classified as Pathogenic.

Literature cited by the submitters: PubMed 14504086 (cited by Labcorp Genetics (formerly Invitae), Labcorp); PubMed 15749889 (cited by Labcorp Genetics (formerly Invitae), Labcorp); PubMed 22689681 (cited by Labcorp Genetics (formerly Invitae), Labcorp); PubMed 23753029 (cited by Labcorp Genetics (formerly Invitae), Labcorp); PubMed 30600763 (cited by Labcorp Genetics (formerly Invitae), Labcorp).